The following is an entry in ClinVar:

NM_002230.4(JUP):c.1924+18A>C

Gene: JUP (junction plakoglobin; minus strand). Cytogenetic location: 17q21.2.
Variant type: single nucleotide variant.
Coding change: c.1924+18A>C on transcript NM_002230.4 (MANE Select); 18 bases into the intron after coding-DNA position 1924, A replaced by C.
Molecular consequence: intron variant.
Genome position (GRCh38, 1-based): chr17:41,757,616, T>G on the plus strand (A>C on the coding strand, the complement: JUP is on the minus strand). VCF-style: chr17-41757616-T-G. GRCh37 (hg19) VCF-style: chr17-39913868-T-G.
Other names: c.1924+18A>C (NM_001352774.2, NM_021991.4, NM_001352776.2 and 3 more transcripts).
Identifiers: ClinVar variation 380724 (VCV000380724.5), dbSNP rs1057520892, ClinGen allele CA16608413.

ClinVar aggregate classification (germline): Likely benign. Review status: criteria provided, multiple submitters, no conflicts (2 of 4 stars). 2 submissions from 2 submitters: Likely benign (2). Last evaluated 2025-03-09.

Conditions:
Arrhythmogenic right ventricular dysplasia 12. Also called: ARRHYTHMOGENIC RIGHT VENTRICULAR DYSPLASIA, FAMILIAL, 12. Identifiers: MedGen C1969081, MONDO:0012684, OMIM 611528.
Naxos disease (NXD). Also called: WOOLLY HAIR, PALMOPLANTAR KERATODERMA, AND CARDIAC ABNORMALITIES; CARDIOMYOPATHY, ARRHYTHMOGENIC RIGHT VENTRICULAR, WITH SKIN, HAIR, AND NAIL ABNORMALITIES; PALMOPLANTAR KERATODERMA WITH ARRHYTHMOGENIC RIGHT VENTRICULAR CARDIOMYOPATHY AND WOOLLY HAIR; KERATOSIS PALMOPLANTARIS WITH ARRHYTHMOGENIC CARDIOMYOPATHY; MAL DE NAXOS. Identifiers: Orphanet 34217, MedGen C1832600, MONDO:0011017, OMIM 601214.

Allele frequency attached by ClinVar (database versions not stated): gnomAD exomes below 0.00001; gnomAD 0.00002; TOPMed 0.00002.
gnomAD v4.1: 9 of 1,613,754 alleles (0.00056%); highest among the groups gnomAD compares: African/African-American, 0.0093%; no homozygotes.

Submissions (2):

Labcorp Genetics (formerly Invitae), Labcorp
Classification: Likely benign for Arrhythmogenic right ventricular dysplasia 12; Naxos disease. Last evaluated: 2025-03-09. Review status: criteria provided, single submitter. Criteria: Invitae Variant Classification Sherloc (09022015). Collection method: clinical testing. Allele origin: germline.

GeneDx
Classification: Likely benign. Last evaluated: 2015-10-26. Review status: criteria provided, single submitter. Criteria: GeneDx Variant Classification (06012015). Collection method: clinical testing. Allele origin: germline. Affected: yes.
Comment: This variant is considered likely benign or benign based on one or more of the following criteria: it is a conservative change, it occurs at a poorly conserved position in the protein, it is predicted to be benign by multiple in silico algorithms, and/or has population frequency not consistent with disease.